The following is an entry in ClinVar:

ClinVar aggregate classification (germline): Uncertain significance (1 of 4 stars; one submission).

Conditions:
EGFR-related lung cancer (EGFR). Identifiers: MedGen CN130014.

Submission:

Labcorp Genetics (formerly Invitae), Labcorp
Classification: Uncertain significance for EGFR-related lung cancer. Last evaluated: 2021-11-12. Review status: criteria provided, single submitter. Criteria: Invitae Variant Classification Sherloc (09022015). Collection method: clinical testing. Allele origin: germline.
Comment: In summary, the available evidence is currently insufficient to determine the role of this variant in disease. Therefore, it has been classified as a Variant of Uncertain Significance. Experimental studies and prediction algorithms are not available or were not evaluated, and the functional significance of this variant is currently unknown. This variant has not been reported in the literature in individuals affected with EGFR-related conditions. This variant results in a copy number gain of the genomic region encompassing exon(s) 5-28 of the EGFR gene. This region includes the termination codon of the gene. This copy number gain extends beyond the assayed region for this gene and therefore may encompass additional genes. As the precise location of this event is unknown, it may be in tandem or it may be located elsewhere in the genome.

NC_000007.13:g.(?_55218977)_(55274084_?)dup

Gene: EGFR (epidermal growth factor receptor; plus strand). Cytogenetic location: 7p11.2.
Variant type: Duplication.
Identifiers: ClinVar variation 2425325 (VCV002425325.3).